The following is an entry in ClinVar:

ClinVar aggregate classification (germline): Uncertain significance (1 of 4 stars; one submission).

Conditions:
Bainbridge-Ropers syndrome. Also called: Severe feeding difficulties-failure to thrive-microcephaly due to ASXL3 deficiency syndrome. Identifiers: Orphanet 352577, MedGen C4750837, MONDO:0014205, OMIM 615485.

Submission:

3billion
Classification: Uncertain significance for Bainbridge-Ropers syndrome. Last evaluated: 2024-11-16. Review status: criteria provided, single submitter. Criteria: ACMG Guidelines, 2015. Collection method: clinical testing. Allele origin: germline. Affected: yes.
Comment: The variant is not observed in the gnomAD v4.1.0 dataset. Predicted Consequence/Location: Intron variant In silico tools predict the variant to alter splicing and produce an abnormal transcript [SpliceAI: 0.45 (>=0.2, moderate evidence for spliceogenicity)]. Therefore, this variant is classified as VUS according to the recommendation of ACMG/AMP guideline.

NM_030632.3(ASXL3):c.138-97_138-90del

Gene: ASXL3 (ASXL transcriptional regulator 3; plus strand). Cytogenetic location: 18q12.1.
Variant type: Microsatellite.
Coding change: c.138-97_138-90del on transcript NM_030632.3 (MANE Select); 97 bases into the intron before coding-DNA position 138 through 90 bases into the intron before coding-DNA position 138, 8 bases deleted (ATTTTTTT; older notation c.138-97_138-90delATTTTTTT).
Molecular consequence: intron variant.
Genome position (GRCh38, 1-based): chr18:33,644,797-33,644,804, ATTTTTTT deleted; deleting any 8 consecutive bases within chr18:33,644,787-33,644,804 gives the same sequence; the c. name uses the placement nearest the transcript's 3' end. VCF-style (leftmost placement, unchanged base first): chr18-33644786-ATTATTTTT-A. GRCh37 (hg19) VCF-style: chr18-31224750-ATTATTTTT-A.
Identifiers: ClinVar variation 4292977 (VCV004292977.1).